The following is an entry in ClinVar:

ClinVar aggregate classification (germline): Uncertain significance (1 of 4 stars; one submission).

Conditions:
Malignant hyperthermia, susceptibility to, 5 (MHS5). Also called: CACNA1S-Related Malignant Hyperthermia Susceptibility. Identifiers: Orphanet 423, MedGen C1866077, MONDO:0011163, OMIM 601887.

Submission:

Color Diagnostics, LLC DBA Color Health
Classification: Uncertain significance for Malignant hyperthermia, susceptibility to, 5. Last evaluated: 2025-08-25. Review status: criteria provided, single submitter. Criteria: ACMG Guidelines, 2015. Collection method: clinical testing. Allele origin: germline.
Comment: This missense variant replaces leucine with phenylalanine at codon 580 of the CACNA1S protein. Computational prediction suggests that this variant may have deleterious impact on protein structure and function. To our knowledge, functional studies have not been reported for this variant. This variant has not been reported in individuals affected with CACNA1S-related disorders in the literature. This variant has not been identified in the general population by the Genome Aggregation Database (gnomAD). The available evidence is insufficient to determine the role of this variant in disease conclusively. Therefore, this variant is classified as a Variant of Uncertain Significance.

NM_000069.3(CACNA1S):c.1738C>T (p.Leu580Phe)

Gene: CACNA1S (calcium voltage-gated channel subunit alpha1 S; minus strand). Cytogenetic location: 1q32.1.
Variant type: single nucleotide variant.
Coding change: c.1738C>T on transcript NM_000069.3 (MANE Select); coding-DNA position 1738, C replaced by T.
Protein change: p.Leu580Phe; replaces leucine 580 with phenylalanine.
Molecular consequence: missense variant.
Genome position (GRCh38, 1-based): chr1:201,077,009, G>A on the plus strand (C>T on the coding strand, the complement: CACNA1S is on the minus strand). VCF-style: chr1-201077009-G-A. GRCh37 (hg19) VCF-style: chr1-201046137-G-A.
Other names: short protein forms L580F.
Identifiers: ClinVar variation 4757959 (VCV004757959.1).